The following is an entry in ClinVar:

NM_152327.5(AK7):c.660G>A (p.Ala220=)

Gene: AK7 (adenylate kinase 7; plus strand). Cytogenetic location: 14q32.2.
Variant type: single nucleotide variant.
Coding change: c.660G>A on transcript NM_152327.5 (MANE Select); coding-DNA position 660, G replaced by A.
Protein change: p.Ala220=; no amino-acid change (alanine 220 retained).
Molecular consequence: synonymous variant.
Genome position (GRCh38, 1-based): chr14:96,437,885, G>A. VCF-style: chr14-96437885-G-A. GRCh37 (hg19) VCF-style: chr14-96904222-G-A.
Other names: c.660G>A, p.Ala220= (NM_001350888.2, NM_001350890.2, NM_001350891.2 and 1 more transcripts); c.660G>A (NM_152327.3).
Identifiers: ClinVar variation 1596679 (VCV001596679.10), dbSNP rs201546130, ClinGen allele CA7337563.

ClinVar aggregate classification (germline): Likely benign. Review status: criteria provided, single submitter (1 of 4 stars). 2 submissions from 2 submitters: Likely benign (1). 1 of the submissions does not count toward it. Last evaluated 2026-02-01.

Conditions:
AK7-related disorder. Also called: AK7-related condition.

Allele frequency attached by ClinVar (database versions not stated): TOPMed 0.00010; gnomAD exomes 0.00014 and 0.00017; ExAC 0.00017; gnomAD 0.00017.
gnomAD v4.1: 230 of 1,613,554 alleles (0.014%); highest among the groups gnomAD compares: Non-Finnish European, 0.016%; no homozygotes.

Submissions (2):

Labcorp Genetics (formerly Invitae), Labcorp
Classification: Likely benign. Last evaluated: 2026-02-01. Review status: criteria provided, single submitter. Criteria: Invitae Variant Classification Sherloc (09022015). Collection method: clinical testing. Allele origin: germline.

PreventionGenetics, part of Exact Sciences
Classification: Likely benign for AK7-related condition. Last evaluated: 2019-12-09. Review status: no assertion criteria provided. Collection method: clinical testing. Allele origin: germline. Not counted in ClinVar's aggregate classification.
Comment: This variant is classified as likely benign based on ACMG/AMP sequence variant interpretation guidelines (Richards et al. 2015 PMID: 25741868, with internal and published modifications).